The following is an entry in ClinVar:

ClinVar aggregate classification (germline): Benign (1 of 4 stars; one submission).

Conditions:
Ectopia lentis 2, isolated, autosomal recessive (ECTOL2). Identifiers: Orphanet 1885, MedGen C3541474, MONDO:0009152, OMIM 225100.

Allele frequency attached by ClinVar (database versions not stated): 1000 Genomes Project 30x 0.00859; TOPMed 0.01948; gnomAD exomes 0.02032; gnomAD 0.02127 and 0.02193; 1000 Genomes Project 0.00859.
gnomAD v4.1: 3,333 of 158,430 alleles (2.1%); highest among the groups gnomAD compares: Non-Finnish European, 3.4%; 59 homozygotes.

Submission:

Illumina Laboratory Services, Illumina
Classification: Benign for Ectopia lentis 2, isolated, autosomal recessive. Last evaluated: 2018-01-12. Review status: criteria provided, single submitter. Criteria: ICSL Variant Classification Criteria 13 December 2019. Collection method: clinical testing. Allele origin: germline.
Comment: This variant was observed in the ICSL laboratory as part of a predisposition screen in an ostensibly healthy population. It had not been previously curated by ICSL or reported in the Human Gene Mutation Database (HGMD: prior to June 1st, 2018), and was therefore a candidate for classification through an automated scoring system. Utilizing variant allele frequency, disease prevalence and penetrance estimates, and inheritance mode, an automated score was calculated to assess if this variant is too frequent to cause the disease. Based on the score and internal cut-off values, a variant classified as benign is not then subjected to further curation. The score for this variant resulted in a classification of benign for this disease.

NM_019032.6(ADAMTSL4):c.*636C>A

Genes: ADAMTSL4 (ADAMTS like 4; plus strand), LOC129931411 (ATAC-STARR-seq lymphoblastoid active region 1692; plus strand). Cytogenetic location: 1q21.2.
Variant type: single nucleotide variant.
Coding change: c.*636C>A on transcript NM_019032.6 (MANE Select); 636 bases downstream of the stop codon, C replaced by A.
Molecular consequence: 3 prime UTR variant.
Genome position (GRCh38, 1-based): chr1:150,560,832, C>A. VCF-style: chr1-150560832-C-A. GRCh37 (hg19) VCF-style: chr1-150533308-C-A.
Other names: c.*636C>A (NM_001288607.2, NM_001288608.2, NM_001378596.1).
Identifiers: ClinVar variation 292576 (VCV000292576.5), dbSNP rs35531650, ClinGen allele CA10607670.